The following is an entry in ClinVar:

NM_006949.4(STXBP2):c.49G>A (p.Gly17Arg)

Gene: STXBP2 (syntaxin binding protein 2; plus strand). Cytogenetic location: 19p13.2.
Variant type: single nucleotide variant.
Coding change: c.49G>A on transcript NM_006949.4 (MANE Select); coding-DNA position 49, G replaced by A.
Protein change: p.Gly17Arg; replaces glycine 17 with arginine.
Molecular consequence: missense variant. On other transcripts: non-coding transcript variant (1).
Genome position (GRCh38, 1-based): chr19:7,638,737, G>A. VCF-style: chr19-7638737-G-A. GRCh37 (hg19) VCF-style: chr19-7703623-G-A.
Other names: p.Gly17Arg; c.49G>A, p.Gly17Arg (NM_001127396.3, NM_001272034.2); short protein forms G17R.
Identifiers: ClinVar variation 260106 (VCV000260106.29), dbSNP rs146165014, ClinGen allele CA9143108.

ClinVar aggregate classification (germline): Conflicting classifications of pathogenicity. Review status: criteria provided, conflicting classifications (1 of 4 stars). 10 submissions from 10 submitters: Uncertain significance (4); Benign (1); Likely benign (4). 1 of the submissions does not count toward it. Last evaluated 2026-01-30.

Conditions:
Inborn genetic diseases. Identifiers: MedGen C0950123, MeSH D030342.
Familial hemophagocytic lymphohistiocytosis 5. Also called: STXBP2-Related Familial Hemophagocytic Lymphohistiocytosis (STXBP2-fHLH). Identifiers: Orphanet 540, MedGen C2751293, MONDO:0013135, OMIM 613101.
Autoinflammatory syndrome. Identifiers: Orphanet 93665, MedGen C3890737, MONDO:0019751.

Allele frequency attached by ClinVar (database versions not stated): gnomAD exomes 0.00023 and 0.00070; ExAC 0.00090; 1000 Genomes Project 30x 0.00156; 1000 Genomes Project 0.00160; gnomAD 0.00247 and 0.00270; ESP Exome Variant Server 0.00284; TOPMed 0.00290.
gnomAD v4.1: 720 of 1,614,150 alleles (0.045%); highest among the groups gnomAD compares: African/African-American, 0.87%; 1 homozygote.

Submissions (10):

Labcorp Genetics (formerly Invitae), Labcorp
Classification: Benign for Familial hemophagocytic lymphohistiocytosis 5. Last evaluated: 2026-01-30. Review status: criteria provided, single submitter. Criteria: Invitae Variant Classification Sherloc (09022015). Collection method: clinical testing. Allele origin: germline.

Mayo Clinic Laboratories, Mayo Clinic
Classification: Likely benign. Last evaluated: 2025-06-11. Review status: criteria provided, single submitter. Criteria: ACMG Guidelines, 2015. Collection method: clinical testing. Allele origin: germline. Observed: 2 variant alleles.
Comment: BS1

Ambry Genetics
Classification: Uncertain significance for Inborn genetic diseases. Last evaluated: 2025-03-28. Review status: criteria provided, single submitter. Criteria: Ambry Variant Classification Scheme 2023. Collection method: clinical testing. Allele origin: germline.

Women's Health and Genetics/Laboratory Corporation of America, LabCorp
Classification: Likely benign. Last evaluated: 2022-11-17. Review status: criteria provided, single submitter. Criteria: LabCorp Variant Classification Summary - May 2015. Collection method: clinical testing. Allele origin: germline.
Comment: Variant summary: STXBP2 c.49G>A (p.Gly17Arg) results in a non-conservative amino acid change in the encoded protein sequence. Three of four in-silico tools predict a damaging effect of the variant on protein function. The variant allele was found at a frequency of 0.0007 in 251462 control chromosomes, predominantly at a frequency of 0.0098 within the African or African-American subpopulation in the gnomAD database. The observed variant frequency within African or African-American control individuals in the gnomAD database is approximately 4 fold of the estimated maximal predicted allele frequency for a pathogenic variant in STXBP2 causing Familial Hemophagocytic Lymphohistiocytosis phenotype (0.0022), strongly suggesting that the variant is a benign polymorphism found primarily in populations of African or African-American origin. To our knowledge, no occurrence of c.49G>A in individuals affected with Familial Hemophagocytic Lymphohistiocytosis and no experimental evidence demonstrating its impact on protein function have been reported. Five clinical diagnostic laboratories have submitted clinical-significance assessments for this variant to ClinVar after 2014 and classified the variant as VUS (n=3) and benign/likely benign (n=2). Based on the evidence outlined above, the variant was classified as likely benign.

GeneDx
Classification: Uncertain significance. Last evaluated: 2021-02-18. Review status: criteria provided, single submitter. Criteria: GeneDx Variant Classification Process June 2021. Collection method: clinical testing. Allele origin: germline. Affected: yes.
Comment: In silico analysis, which includes protein predictors and evolutionary conservation, supports that this variant does not alter protein structure/function; Has not been previously published as pathogenic or benign to our knowledge

Baylor Genetics
Classification: Uncertain significance for Familial hemophagocytic lymphohistiocytosis 5. Last evaluated: 2018-03-02. Review status: criteria provided, single submitter. Criteria: ACMG Guidelines, 2015. Collection method: clinical testing. Allele origin: unknown. Affected: yes.
Comment: This variant was determined to be of uncertain significance according to ACMG Guidelines, 2015 [PMID:25741868].

Eurofins Ntd Llc (ga)
Classification: Likely benign. Last evaluated: 2017-07-20. Review status: criteria provided, single submitter. Criteria: EGL Classification Definitions 2015. Collection method: clinical testing. Allele origin: germline. Observed: 1 variant allele, 1 heterozygote.

Genome Diagnostics Laboratory, The Hospital for Sick Children
Classification: Uncertain significance for Autoinflammatory syndrome. Last evaluated: 2016-12-12. Review status: criteria provided, single submitter. Criteria: ACMG Guidelines, 2015. Collection method: clinical testing. Allele origin: germline. Affected: yes.

PreventionGenetics, part of Exact Sciences
Classification: Likely benign. Review status: criteria provided, single submitter. Criteria: ACMG Guidelines, 2015. Collection method: clinical testing. Allele origin: germline.

Genetic Services Laboratory, University of Chicago
Classification: Uncertain significance. Last evaluated: 2022-11-28. Review status: no assertion criteria provided. Collection method: clinical testing. Allele origin: germline. Affected: no. Not counted in ClinVar's aggregate classification.
Comment: DNA sequence analysis of the STXBP2 gene demonstrated a sequence change, c.49G>A, in exon 2 that results in an amino acid change, p.Gly17Arg. This sequence change does not appear to have been previously described in individuals with STXBP2-related disorders. This sequence change has been described in the gnomAD database with a frequency of 0.94% in the African subpopulation and 0.09% in the overall population (dbSNP rs146165014). The p.Gly17Arg change affects a highly conserved amino acid residue located in a domain of the STXBP2 protein that is known to be functional. In-silico pathogenicity prediction tools (SIFT, PolyPhen2, Align GVGD, REVEL) provide contradictory results for the p.Gly17Arg substitution. Due to insufficient evidences and the lack of functional studies, the clinical significance of the p.Gly17Arg change remains unknown at this time.